The following is an entry in ClinVar:

NM_001077350.3(NPRL3):c.269del (p.Asn90fs)

Genes: HBA-LCR (alpha-globin locus control region; plus strand), NPRL3 (NPR3 like, GATOR1 complex subunit; minus strand). Cytogenetic location: 16p13.3.
Variant type: Deletion.
Coding change: c.269del on transcript NM_001077350.3 (MANE Select); coding-DNA position 269, one base deleted (A; older notation c.269delA).
Protein change: p.Asn90fs; shifts the reading frame from asparagine 90.
Molecular consequence: frameshift variant. On other transcripts: intron variant (1).
Genome position (GRCh38, 1-based): chr16:119,175, T deleted on the plus strand (A on the coding strand, the reverse complement: NPRL3 is on the minus strand); the first of 2 consecutive T bases (chr16:119,175-119,176); deleting either gives the same sequence. VCF-style (leftmost placement, unchanged base first): chr16-119174-AT-A. GRCh37 (hg19) VCF-style: chr16-169173-AT-A.
Other names: c.35del, p.Asn12fs (NM_001243247.2); c.269del, p.Asn90fs (NM_001243248.2, NM_001243249.2); c.-144-6400del (NM_001039476.3); short protein forms N90fs, N12fs.
Identifiers: ClinVar variation 2020251 (VCV002020251.4), dbSNP rs2542869767, ClinGen allele CA2580090567.
Genomic context (GRCh38, chr16:119,174, plus strand): 5'-GGAGAGCCATACCTGCCCCAGAGCATGCTGTAGCAGTGTTGGGTGCCCAACAAATCGCAC[AT>A]TATCAATCTTCAGTTCAAATTTTTGGCCACACATTTCAGACTTGGTTGCCAAAATTGTTG-3'

ClinVar aggregate classification (germline): Pathogenic (1 of 4 stars; one submission).

Conditions:
Epilepsy, familial focal, with variable foci 3 (FFEVF3). Identifiers: MedGen C4310708, MONDO:0014925, OMIM 617118.

Submission:

Labcorp Genetics (formerly Invitae), Labcorp
Classification: Pathogenic for Epilepsy, familial focal, with variable foci 3. Last evaluated: 2026-01-12. Review status: criteria provided, single submitter. Criteria: Invitae Variant Classification Sherloc (09022015). Collection method: clinical testing. Allele origin: germline.
Comment: This sequence change creates a premature translational stop signal (p.Asn90Metfs*32) in the NPRL3 gene. It is expected to result in an absent or disrupted protein product. Loss-of-function variants in NPRL3 are known to be pathogenic (PMID: 26285051, 26505888). This variant is not present in population databases (gnomAD no frequency). This variant has not been reported in the literature in individuals affected with NPRL3-related conditions. ClinVar contains an entry for this variant (Variation ID: 2020251). For these reasons, this variant has been classified as Pathogenic.

Literature cited by the submitters: PubMed 26285051; PubMed 26505888.